The following is an entry in ClinVar:

NM_006348.5(COG5):c.1603G>T (p.Val535Leu)

Genes: COG5 (component of oligomeric golgi complex 5; minus strand), LOC129389837 (MPRA-validated peak6677 silencer; plus strand). Cytogenetic location: 7q22.3.
Variant type: single nucleotide variant.
Coding change: c.1603G>T on transcript NM_006348.5 (MANE Select); coding-DNA position 1603, G replaced by T.
Protein change: p.Val535Leu; replaces valine 535 with leucine.
Molecular consequence: missense variant. On other transcripts: intron variant (1).
Genome position (GRCh38, 1-based): chr7:107,258,356, C>A on the plus strand (G>T on the coding strand, the complement: COG5 is on the minus strand). VCF-style: chr7-107258356-C-A. GRCh37 (hg19) VCF-style: chr7-106898801-C-A.
Other names: c.1696G>T (NM_006348.3); c.1603G>T, p.Val535Leu (NM_001161520.2, NM_001379513.1, NM_001379514.1 and 1 more transcripts); c.1441G>T, p.Val481Leu (NM_001379511.1); c.1033G>T, p.Val345Leu (NM_001379515.1); c.889G>T, p.Val297Leu (NM_001379516.1); c.1576-9857G>T (NM_001379512.1); short protein forms V297L, V481L, V345L, V535L.
Identifiers: ClinVar variation 1358603 (VCV001358603.7), dbSNP rs2116623874, ClinGen allele CA368941204.

ClinVar aggregate classification (germline): Uncertain significance. Review status: criteria provided, multiple submitters, no conflicts (2 of 4 stars). 2 submissions from 2 submitters: Uncertain significance (2). Last evaluated 2025-11-08.

Conditions:
Inborn genetic diseases. Identifiers: MedGen C0950123, MeSH D030342.
COG5-congenital disorder of glycosylation. Also called: CDG IIi; CONGENITAL DISORDER OF GLYCOSYLATION, TYPE IIi; COG5-CDG. Identifiers: Orphanet 263487, MedGen C3150876, MONDO:0013325, OMIM 613612.

Submissions (2):

Ambry Genetics
Classification: Uncertain significance for Inborn genetic diseases. Last evaluated: 2025-11-08. Review status: criteria provided, single submitter. Criteria: Ambry Variant Classification Scheme 2023. Collection method: clinical testing. Allele origin: germline.

Labcorp Genetics (formerly Invitae), Labcorp
Classification: Uncertain significance for COG5-congenital disorder of glycosylation. Last evaluated: 2022-03-18. Review status: criteria provided, single submitter. Criteria: Invitae Variant Classification Sherloc (09022015). Collection method: clinical testing. Allele origin: germline.
Comment: This sequence change replaces valine, which is neutral and non-polar, with leucine, which is neutral and non-polar, at codon 566 of the COG5 protein (p.Val566Leu). This variant is not present in population databases (gnomAD no frequency). This variant has not been reported in the literature in individuals affected with COG5-related conditions. Algorithms developed to predict the effect of missense changes on protein structure and function (SIFT, PolyPhen-2, Align-GVGD) all suggest that this variant is likely to be tolerated. In summary, the available evidence is currently insufficient to determine the role of this variant in disease. Therefore, it has been classified as a Variant of Uncertain Significance.